The following is an entry in ClinVar:

ClinVar aggregate classification (germline): Uncertain significance. Review status: criteria provided, multiple submitters, no conflicts (2 of 4 stars). 4 submissions from 4 submitters: Uncertain significance (4). Last evaluated 2025-06-22.

Conditions:
Inborn genetic diseases. Identifiers: MedGen C0950123, MeSH D030342.
Autosomal recessive nonsyndromic hearing loss 3. Also called: NEUROSENSORY NONSYNDROMIC RECESSIVE DEAFNESS 3. Identifiers: Orphanet 90636, MedGen C1838263, MONDO:0010860, OMIM 600316.

Allele frequency attached by ClinVar (database versions not stated): gnomAD exomes 0.00001 and 0.00003; TOPMed 0.00002; ExAC 0.00003.
gnomAD v4.1: 21 of 1,613,992 alleles (0.0013%); highest among the groups gnomAD compares: Non-Finnish European, 0.0018%; no homozygotes.

Submissions (4):

Ambry Genetics
Classification: Uncertain significance for Inborn genetic diseases. Last evaluated: 2025-06-22. Review status: criteria provided, single submitter. Criteria: Ambry Variant Classification Scheme 2023. Collection method: clinical testing. Allele origin: germline.

GeneDx
Classification: Uncertain significance. Last evaluated: 2024-10-16. Review status: criteria provided, single submitter. Criteria: GeneDx Variant Classification Process June 2021. Collection method: clinical testing. Allele origin: germline. Affected: yes.
Comment: Not observed at significant frequency in large population cohorts (gnomAD); In silico analysis indicates that this missense variant does not alter protein structure/function; Has not been previously published as pathogenic or benign to our knowledge

Fulgent Genetics
Classification: Uncertain significance for Autosomal recessive nonsyndromic hearing loss 3. Last evaluated: 2024-04-04. Review status: criteria provided, single submitter. Criteria: ACMG Guidelines, 2015. Collection method: clinical testing. Allele origin: germline.

Labcorp Genetics (formerly Invitae), Labcorp
Classification: Uncertain significance. Last evaluated: 2021-08-20. Review status: criteria provided, single submitter. Criteria: Invitae Variant Classification Sherloc (09022015). Collection method: clinical testing. Allele origin: germline.
Comment: This sequence change replaces serine with leucine at codon 2327 of the MYO15A protein (p.Ser2327Leu). The serine residue is highly conserved and there is a large physicochemical difference between serine and leucine. This variant is present in population databases (rs752127859, ExAC 0.005%). This variant has not been reported in the literature in individuals affected with MYO15A-related conditions. ClinVar contains an entry for this variant (Variation ID: 452943). Advanced modeling of protein sequence and biophysical properties (such as structural, functional, and spatial information, amino acid conservation, physicochemical variation, residue mobility, and thermodynamic stability) performed at Invitae indicates that this missense variant is not expected to disrupt MYO15A protein function. In summary, the available evidence is currently insufficient to determine the role of this variant in disease. Therefore, it has been classified as a Variant of Uncertain Significance.

NM_016239.4(MYO15A):c.6980C>T (p.Ser2327Leu)

Gene: MYO15A (myosin XVA; plus strand). Cytogenetic location: 17p11.2.
Variant type: single nucleotide variant.
Coding change: c.6980C>T on transcript NM_016239.4 (MANE Select); coding-DNA position 6980, C replaced by T.
Protein change: p.Ser2327Leu; replaces serine 2327 with leucine.
Molecular consequence: missense variant.
Genome position (GRCh38, 1-based): chr17:18,149,239, C>T. VCF-style: chr17-18149239-C-T. GRCh37 (hg19) VCF-style: chr17-18052553-C-T.
Other names: short protein forms S2327L.
Identifiers: ClinVar variation 452943 (VCV000452943.10), dbSNP rs752127859, ClinGen allele CA8424710.
Genomic context (GRCh38, chr17:18,149,239, plus strand): 5'-CTGGGGGTCAGTAGCTCCATGTTCCTTTTCTCCACAGGGTGTTTGGGAACAGCTGGGACT[C>T]GGATGAGGACATGTCCACTAGACCCCAGCCCCAGGAGCACATGCCCAAAGTACTTGACTC-3'
Protein context (NP_057323.3, residues 2317-2337): PKVVFGNSWD[Ser2327Leu]DEDMSTRPQP